The following is an entry in ClinVar:

ClinVar aggregate classification (germline): Uncertain significance (1 of 4 stars; one submission).

Conditions:
DiGeorge syndrome. Also called: THIRD AND FOURTH PHARYNGEAL POUCH SYNDROME; Catch22. Identifiers: Orphanet 567, MedGen C0012236, MONDO:0008564, OMIM 188400.

Allele frequency attached by ClinVar (database versions not stated): TOPMed 0.00001.

Submission:

Labcorp Genetics (formerly Invitae), Labcorp
Classification: Uncertain significance for DiGeorge syndrome. Last evaluated: 2022-03-12. Review status: criteria provided, single submitter. Criteria: Invitae Variant Classification Sherloc (09022015). Collection method: clinical testing. Allele origin: germline.
Comment: In summary, the available evidence is currently insufficient to determine the role of this variant in disease. Therefore, it has been classified as a Variant of Uncertain Significance. Algorithms developed to predict the effect of missense changes on protein structure and function (SIFT, PolyPhen-2, Align-GVGD) all suggest that this variant is likely to be tolerated. This variant has not been reported in the literature in individuals affected with TBX1-related conditions. This variant is not present in population databases (gnomAD no frequency). This sequence change replaces histidine, which is basic and polar, with arginine, which is basic and polar, at codon 454 of the TBX1 protein (p.His454Arg).

NM_001379200.1(TBX1):c.1388A>G (p.His463Arg)

Gene: TBX1 (T-box transcription factor 1; plus strand). Cytogenetic location: 22q11.21.
Variant type: single nucleotide variant.
Coding change: c.1388A>G on transcript NM_001379200.1 (MANE Select); coding-DNA position 1388, A replaced by G.
Protein change: p.His463Arg; replaces histidine 463 with arginine.
Molecular consequence: missense variant. On other transcripts: intron variant (2).
Genome position (GRCh38, 1-based): chr22:19,766,740, A>G. VCF-style: chr22-19766740-A-G. GRCh37 (hg19) VCF-style: chr22-19754263-A-G.
Other names: c.1361A>G, p.His454Arg (NM_080647.1); c.1009+738A>G (NM_005992.1, NM_080646.2); short protein forms H454R, H463R.
Identifiers: ClinVar variation 1971645 (VCV001971645.5), dbSNP rs1936868127, ClinGen allele CA410685261.